The following is an entry in ClinVar:

NM_001129.5(AEBP1):c.1247G>A (p.Arg416Gln)

Gene: AEBP1 (AE binding protein 1; plus strand). Cytogenetic location: 7p13.
Variant type: single nucleotide variant.
Coding change: c.1247G>A on transcript NM_001129.5 (MANE Select); coding-DNA position 1247, G replaced by A.
Protein change: p.Arg416Gln; replaces arginine 416 with glutamine.
Molecular consequence: missense variant.
Genome position (GRCh38, 1-based): chr7:44,110,111, G>A. VCF-style: chr7-44110111-G-A. GRCh37 (hg19) VCF-style: chr7-44149710-G-A.
Other names: short protein forms R416Q.
Identifiers: ClinVar variation 1331228 (VCV001331228.2), dbSNP rs368135596, ClinGen allele CA4237819.
Genomic context (GRCh38, chr7:44,110,111, plus strand): 5'-AGGACAACCAGATCCGAGCCTCCTCCATGCTGCGCCACGGCCTGGGGGCACAGCGCGGCC[G>A]GCTCAACATGCAGGTGGGCATTGGGATGGGCCCATCTCCCAACTGGGATAAGGGACTCCT-3'
Protein context (NP_001120.3, residues 406-426): LRHGLGAQRG[Arg416Gln]LNMQTGATED

ClinVar aggregate classification (germline): Uncertain significance (1 of 4 stars; one submission).

Allele frequency attached by ClinVar (database versions not stated): ExAC 0.00001; gnomAD 0.00001; gnomAD exomes 0.00001; TOPMed 0.00002; ESP Exome Variant Server 0.00008.
gnomAD v4.1: 18 of 1,612,932 alleles (0.0011%); highest among the groups gnomAD compares: East Asian, 0.0045%; no homozygotes.

Submission:

GeneDx
Classification: Uncertain significance. Last evaluated: 2021-06-23. Review status: criteria provided, single submitter. Criteria: GeneDx Variant Classification Process June 2021. Collection method: clinical testing. Allele origin: germline. Affected: yes.
Comment: Not observed at significant frequency in large population cohorts (Lek et al., 2016); In silico analysis supports that this missense variant has a deleterious effect on protein structure/function; Has not been previously published as pathogenic or benign to our knowledge; This variant is associated with the following publications: (PMID: 27535533)